The following is an entry in ClinVar:

ClinVar aggregate classification (germline): Uncertain significance. Review status: criteria provided, multiple submitters, no conflicts (2 of 4 stars). 2 submissions from 2 submitters: Uncertain significance (2). Last evaluated 2022-10-12.

Allele frequency attached by ClinVar (database versions not stated): gnomAD exomes 0.00002; ExAC 0.00003; TOPMed 0.00003.
gnomAD v4.1: 24 of 1,614,080 alleles (0.0015%); highest among the groups gnomAD compares: Admixed American, 0.0033%; no homozygotes.

Submissions (2):

Blueprint Genetics
Classification: Uncertain significance. Last evaluated: 2022-10-12. Review status: criteria provided, single submitter. Criteria: ACMG Guidelines, 2015. Collection method: clinical testing. Allele origin: germline.

Labcorp Genetics (formerly Invitae), Labcorp
Classification: Uncertain significance. Last evaluated: 2021-09-16. Review status: criteria provided, single submitter. Criteria: Invitae Variant Classification Sherloc (09022015). Collection method: clinical testing. Allele origin: germline.
Comment: This sequence change replaces arginine with histidine at codon 1399 of the CEP250 protein (p.Arg1399His). The arginine residue is moderately conserved and there is a small physicochemical difference between arginine and histidine. This variant is present in population databases (rs772173920, ExAC 0.006%). This variant has not been reported in the literature in individuals affected with CEP250-related conditions. Algorithms developed to predict the effect of missense changes on protein structure and function are either unavailable or do not agree on the potential impact of this missense change (SIFT: "Not Available"; PolyPhen-2: "Probably Damaging"; Align-GVGD: "Not Available"). In summary, the available evidence is currently insufficient to determine the role of this variant in disease. Therefore, it has been classified as a Variant of Uncertain Significance.

NM_007186.6(CEP250):c.4196G>A (p.Arg1399His)

Gene: CEP250 (centrosomal protein 250; plus strand). Cytogenetic location: 20q11.22.
Variant type: single nucleotide variant.
Coding change: c.4196G>A on transcript NM_007186.6 (MANE Select); coding-DNA position 4196, G replaced by A.
Protein change: p.Arg1399His; replaces arginine 1399 with histidine.
Molecular consequence: missense variant.
Genome position (GRCh38, 1-based): chr20:35,502,565, G>A. VCF-style: chr20-35502565-G-A. GRCh37 (hg19) VCF-style: chr20-34090393-G-A.
Other names: c.2300G>A, p.Arg767His (NM_001318219.1); short protein forms R767H, R1399H.
Identifiers: ClinVar variation 1496653 (VCV001496653.7), dbSNP rs772173920, ClinGen allele CA9833686.